The following is an entry in ClinVar:

ClinVar aggregate classification (germline): Uncertain significance (1 of 4 stars; one submission).

Submission:

GeneDx
Classification: Uncertain significance. Last evaluated: 2022-05-02. Review status: criteria provided, single submitter. Criteria: GeneDx Variant Classification Process June 2021. Collection method: clinical testing. Allele origin: germline. Affected: yes.
Comment: Not observed at significant frequency in large population cohorts (gnomAD); In-frame insertion of 1 amino acid in a repetitive region with no known function; Has not been previously published as pathogenic or benign to our knowledge

NM_024757.5(EHMT1):c.1226_1228dup (p.Glu409_Gly410insGlu)

Gene: EHMT1 (euchromatic histone lysine methyltransferase 1; plus strand). Cytogenetic location: 9q34.3.
Variant type: Duplication.
Coding change: c.1226_1228dup on transcript NM_024757.5 (MANE Select); coding-DNA positions 1226 to 1228, 3 bases duplicated (AAG; older notation c.1226_1228dupAAG).
Protein change: p.Glu409_Gly410insGlu.
Molecular consequence: inframe insertion.
Genome position (GRCh38, 1-based): chr9:137,752,386-137,752,388, AAG duplicated; duplicating any 3 consecutive bases within chr9:137,752,385-137,752,388 gives the same sequence; the c. name uses the placement nearest the transcript's 3' end. VCF-style (leftmost placement, unchanged base first): chr9-137752384-G-GGAA. GRCh37 (hg19) VCF-style: chr9-140646836-G-GGAA.
Other names: c.1226_1228dup, p.Glu409_Gly410insGlu (NM_001145527.2, NM_001354611.2); c.1133_1135dup, p.Glu378_Gly379insGlu (NM_001354259.2, NM_001354612.2); c.1205_1207dup, p.Glu402_Gly403insGlu (NM_001354263.2).
Identifiers: ClinVar variation 1723005 (VCV001723005.2), dbSNP rs2541783366, ClinGen allele CA2580081009.
Genomic context (GRCh38, chr9:137,752,384, plus strand): 5'-TGATCAGATGGACGGGGAGTCCGAGGAGGAGCAGGAGTCCGTGGACACCGGGGAGGAGGA[G>GGAA]GAAGGCGGTGACGAGTCTGACCTGGTAATGCCCAGCGCCTCCTCCTGCGTCTGTGCTGAT-3'